The following is an entry in ClinVar:

ClinVar aggregate classification (germline): Uncertain significance (1 of 4 stars; one submission).

Allele frequency attached by ClinVar (database versions not stated): gnomAD exomes below 0.00001.
gnomAD v4.1: 2 of 1,613,222 alleles (0.00012%); highest among the groups gnomAD compares: Non-Finnish European, 0.00017%; no homozygotes.

Submission:

Labcorp Genetics (formerly Invitae), Labcorp
Classification: Uncertain significance. Last evaluated: 2022-05-25. Review status: criteria provided, single submitter. Criteria: Invitae Variant Classification Sherloc (09022015). Collection method: clinical testing. Allele origin: germline.
Comment: This sequence change replaces alanine, which is neutral and non-polar, with threonine, which is neutral and polar, at codon 817 of the PLXNA2 protein (p.Ala817Thr). This variant is not present in population databases (gnomAD no frequency). This variant has not been reported in the literature in individuals affected with PLXNA2-related conditions. Algorithms developed to predict the effect of missense changes on protein structure and function are either unavailable or do not agree on the potential impact of this missense change (SIFT: "Tolerated"; PolyPhen-2: "Probably Damaging"; Align-GVGD: "Class C0"). In summary, the available evidence is currently insufficient to determine the role of this variant in disease. Therefore, it has been classified as a Variant of Uncertain Significance.

NM_025179.4(PLXNA2):c.2449G>A (p.Ala817Thr)

Gene: PLXNA2 (plexin A2; minus strand). Cytogenetic location: 1q32.2.
Variant type: single nucleotide variant.
Coding change: c.2449G>A on transcript NM_025179.4 (MANE Select); coding-DNA position 2449, G replaced by A.
Protein change: p.Ala817Thr; replaces alanine 817 with threonine.
Molecular consequence: missense variant.
Genome position (GRCh38, 1-based): chr1:208,079,397, C>T on the plus strand (G>A on the coding strand, the complement: PLXNA2 is on the minus strand). VCF-style: chr1-208079397-C-T. GRCh37 (hg19) VCF-style: chr1-208252742-C-T.
Other names: short protein forms A817T.
Identifiers: ClinVar variation 1998387 (VCV001998387.4), dbSNP rs2526633050, ClinGen allele CA344553765.
Genomic context (GRCh38, chr1:208,079,397, plus strand): 5'-GCTGGTGGAGGGTGCACCTGCGCTCGCCGCTGCACCAGCCACACTCAAACTTCCGGTCGG[C>T]CTTGAGGCAGAGGCCGCAGCTCTCCCGCTGGGCTGCACACTTGTAGAGATGGACTGCAAA-3'
Protein context (NP_079455.3, residues 807-827): QRESCGLCLK[Ala817Thr]DRKFECGWCS